The following is an entry in ClinVar:

ClinVar aggregate classification (germline): Uncertain significance. Review status: criteria provided, multiple submitters, no conflicts (2 of 4 stars). 2 submissions from 2 submitters: Uncertain significance (2). Last evaluated 2025-07-16.

Conditions:
Hereditary cancer-predisposing syndrome. Also called: Hereditary neoplastic syndrome; Tumor predisposition; Neoplastic Syndromes, Hereditary; Hereditary Cancer Syndrome. Identifiers: Orphanet 140162, MedGen C0027672, MeSH D009386, MONDO:0015356.
Neuroblastoma, susceptibility to, 3. Also called: ALK-Related Neuroblastic Tumor Susceptibility. Identifiers: Orphanet 635, MedGen C2751681, MONDO:0013083, OMIM 613014.

Submissions (2):

Labcorp Genetics (formerly Invitae), Labcorp
Classification: Uncertain significance for Neuroblastoma, susceptibility to, 3. Last evaluated: 2025-07-16. Review status: criteria provided, single submitter. Criteria: Invitae Variant Classification Sherloc (09022015). Collection method: clinical testing. Allele origin: germline.
Comment: This sequence change replaces aspartic acid, which is acidic and polar, with asparagine, which is neutral and polar, at codon 1225 of the ALK protein (p.Asp1225Asn). This variant is not present in population databases (gnomAD no frequency). This variant has not been reported in the literature in individuals affected with ALK-related conditions. ClinVar contains an entry for this variant (Variation ID: 375886). An algorithm developed to predict the effect of missense changes on protein structure and function (PolyPhen-2) suggests that this variant is likely to be disruptive. In summary, the available evidence is currently insufficient to determine the role of this variant in disease. Therefore, it has been classified as a Variant of Uncertain Significance.

Ambry Genetics
Classification: Uncertain significance for Hereditary cancer-predisposing syndrome. Last evaluated: 2020-09-09. Review status: criteria provided, single submitter. Criteria: Ambry Variant Classification Scheme 2023. Collection method: clinical testing. Allele origin: germline.
Comment: The p.D1225N variant (also known as c.3673G>A), located in coding exon 24 of the ALK gene, results from a G to A substitution at nucleotide position 3673. The aspartic acid at codon 1225 is replaced by asparagine, an amino acid with highly similar properties. This amino acid position is highly conserved in available vertebrate species. In addition, this alteration is predicted to be tolerated by in silico analysis. Since supporting evidence is limited at this time, the clinical significance of this alteration remains unclear.

NM_004304.5(ALK):c.3673G>A (p.Asp1225Asn)

Gene: ALK (ALK receptor tyrosine kinase; minus strand). Cytogenetic location: 2p23.2.
Variant type: single nucleotide variant.
Coding change: c.3673G>A on transcript NM_004304.5 (MANE Select); coding-DNA position 3673, G replaced by A.
Protein change: p.Asp1225Asn; replaces aspartic acid 1225 with asparagine.
Molecular consequence: missense variant.
Genome position (GRCh38, 1-based): chr2:29,214,054, C>T on the plus strand (G>A on the coding strand, the complement: ALK is on the minus strand). VCF-style: chr2-29214054-C-T. GRCh37 (hg19) VCF-style: chr2-29436920-C-T.
Other names: c.469G>A, p.Asp157Asn (NM_001353765.2); short protein forms D1225N, D157N.
Identifiers: ClinVar variation 375886 (VCV000375886.4), dbSNP rs1057519696, ClinGen allele CA16602369.